The following is an entry in ClinVar:

ClinVar aggregate classification (germline): Conflicting classifications of pathogenicity. Review status: criteria provided, conflicting classifications (1 of 4 stars). 6 submissions from 6 submitters: Uncertain significance (3); Benign (1); Likely benign (1). 1 of the submissions does not count toward it. Last evaluated 2026-02-09.

Conditions:
Neurofibromatosis, type 1 (NF1). Also called: NEUROFIBROMATOSIS, TYPE I, SOMATIC; VON RECKLINGHAUSEN DISEASE; Peripheral type neurofibromatosis; Neurofibromatosis, type I. Identifiers: Orphanet 636, MedGen C0027831, MONDO:0018975, OMIM 162200. Disease mechanism: loss of function.
NF1-related disorder. Also called: NF1-related condition. Identifiers: MedGen CN379171.
Hereditary cancer-predisposing syndrome. Also called: Neoplastic Syndromes, Hereditary; Tumor predisposition; Hereditary neoplastic syndrome; Hereditary Cancer Syndrome. Identifiers: Orphanet 140162, MedGen C0027672, MeSH D009386, MONDO:0015356.
Cardiovascular phenotype. Identifiers: MedGen CN230736.

gnomAD v4.1: 1 of 1,614,176 alleles (0.000062%); no homozygotes.

Submissions (6):

GeneDx
Classification: Likely benign. Last evaluated: 2026-02-09. Review status: criteria provided, single submitter. Criteria: GeneDx Variant Classification Process June 2021. Collection method: clinical testing. Allele origin: germline.
Comment: See Variant Classification Assertion Criteria.

Labcorp Genetics (formerly Invitae), Labcorp
Classification: Benign for Neurofibromatosis, type 1. Last evaluated: 2026-02-03. Review status: criteria provided, single submitter. Criteria: Invitae Variant Classification Sherloc (09022015). Collection method: clinical testing. Allele origin: germline.

Ambry Genetics
Classification: Uncertain significance for Cardiovascular phenotype; Hereditary cancer-predisposing syndrome. Last evaluated: 2025-01-22. Review status: criteria provided, single submitter. Criteria: Ambry Variant Classification Scheme 2023. Collection method: clinical testing. Allele origin: germline.
Comment: The p.I2155T variant (also known as c.6464T>C), located in coding exon 42 of the NF1 gene, results from a T to C substitution at nucleotide position 6464. The isoleucine at codon 2155 is replaced by threonine, an amino acid with similar properties. This amino acid position is conserved. In addition, this alteration is predicted to be deleterious by in silico analysis. Based on the available evidence, the clinical significance of this variant remains unclear.

Molecular Pathology, Peter Maccallum Cancer Centre
Classification: Uncertain significance for Neurofibromatosis, type 1. Last evaluated: 2024-12-14. Review status: criteria provided, single submitter. Criteria: ACMG Guidelines, 2015. Collection method: clinical testing. Allele origin: germline. Inheritance: Autosomal dominant inheritance.

Blueprint Genetics
Classification: Uncertain significance. Last evaluated: 2022-03-29. Review status: criteria provided, single submitter. Criteria: ACMG Guidelines, 2015. Collection method: clinical testing. Allele origin: germline.

PreventionGenetics, part of Exact Sciences
Classification: Uncertain significance for NF1-related condition. Last evaluated: 2024-05-09. Review status: no assertion criteria provided. Collection method: clinical testing. Allele origin: germline. Not counted in ClinVar's aggregate classification.
Comment: The NF1 c.6527T>C variant is predicted to result in the amino acid substitution p.Ile2176Thr. To our knowledge, this variant has not been reported in the literature or in a large population database, indicating this variant is rare. At this time, the clinical significance of this variant is uncertain due to the absence of conclusive functional and genetic evidence.

NM_001042492.3(NF1):c.6527T>C (p.Ile2176Thr)

Gene: NF1 (neurofibromin 1; plus strand). Cytogenetic location: 17q11.2.
Variant type: single nucleotide variant.
Coding change: c.6527T>C on transcript NM_001042492.3 (MANE Select); coding-DNA position 6527, T replaced by C.
Protein change: p.Ile2176Thr; replaces isoleucine 2176 with threonine.
Molecular consequence: missense variant.
Genome position (GRCh38, 1-based): chr17:31,337,467, T>C. VCF-style: chr17-31337467-T-C. GRCh37 (hg19) VCF-style: chr17-29664485-T-C.
Other names: c.6464T>C, p.Ile2155Thr (NM_000267.4); short protein forms I2155T, I2176T.
Identifiers: ClinVar variation 951497 (VCV000951497.13), dbSNP rs2069705362, ClinGen allele CA399013208.